The following is an entry in ClinVar:

ClinVar aggregate classification (germline): Uncertain significance (1 of 4 stars; one submission).

Conditions:
Familial cold autoinflammatory syndrome 2 (FCAS2). Identifiers: Orphanet 247868, MedGen C2673198, MONDO:0012724, OMIM 611762.

Allele frequency attached by ClinVar (database versions not stated): TOPMed below 0.00001; gnomAD 0.00001; ExAC 0.00005; 1000 Genomes Project 30x 0.00016; 1000 Genomes Project 0.00020.

Submission:

Labcorp Genetics (formerly Invitae), Labcorp
Classification: Uncertain significance for Familial cold autoinflammatory syndrome 2. Last evaluated: 2024-04-29. Review status: criteria provided, single submitter. Criteria: Invitae Variant Classification Sherloc (09022015). Collection method: clinical testing. Allele origin: germline.
Comment: This sequence change replaces glycine, which is neutral and non-polar, with tryptophan, which is neutral and slightly polar, at codon 421 of the NLRP12 protein (p.Gly421Trp). This variant is present in population databases (rs571154212, gnomAD 0.03%). This variant has not been reported in the literature in individuals affected with NLRP12-related conditions. ClinVar contains an entry for this variant (Variation ID: 2152849). Advanced modeling of protein sequence and biophysical properties (such as structural, functional, and spatial information, amino acid conservation, physicochemical variation, residue mobility, and thermodynamic stability) has been performed at Invitae for this missense variant, however the output from this modeling did not meet the statistical confidence thresholds required to predict the impact of this variant on NLRP12 protein function. In summary, the available evidence is currently insufficient to determine the role of this variant in disease. Therefore, it has been classified as a Variant of Uncertain Significance.

NM_144687.4(NLRP12):c.1261G>T (p.Gly421Trp)

Gene: NLRP12 (NLR family pyrin domain containing 12; minus strand). Cytogenetic location: 19q13.42.
Variant type: single nucleotide variant.
Coding change: c.1261G>T on transcript NM_144687.4 (MANE Select); coding-DNA position 1261, G replaced by T.
Protein change: p.Gly421Trp; replaces glycine 421 with tryptophan.
Molecular consequence: missense variant.
Genome position (GRCh38, 1-based): chr19:53,810,398, C>A on the plus strand (G>T on the coding strand, the complement: NLRP12 is on the minus strand). VCF-style: chr19-53810398-C-A. GRCh37 (hg19) VCF-style: chr19-54313652-C-A.
Other names: c.1261G>T, p.Gly421Trp (NM_001277126.2, NM_001277129.1); short protein forms G421W.
Identifiers: ClinVar variation 2152849 (VCV002152849.4), dbSNP rs571154212, ClinGen allele CA9639477.